The following is an entry in ClinVar:

NM_000717.5(CA4):c.391G>A (p.Asp131Asn)

Gene: CA4 (carbonic anhydrase 4; plus strand). Cytogenetic location: 17q23.1.
Variant type: single nucleotide variant.
Coding change: c.391G>A on transcript NM_000717.5 (MANE Select); coding-DNA position 391, G replaced by A.
Protein change: p.Asp131Asn; replaces aspartic acid 131 with asparagine.
Molecular consequence: missense variant. On other transcripts: non-coding transcript variant (1).
Genome position (GRCh38, 1-based): chr17:60,157,549, G>A. VCF-style: chr17-60157549-G-A. GRCh37 (hg19) VCF-style: chr17-58234910-G-A.
Other names: c.391G>A (NM_000717.3); short protein forms D131N.
Identifiers: ClinVar variation 1036477 (VCV001036477.9), dbSNP rs370640952, ClinGen allele CA8685320.
Genomic context (GRCh38, chr17:60,157,549, plus strand): 5'-GCCAAACAGTTGCACCTGCACTGGTCCGACTTGCCATATAAGGGCTCGGAGCACAGCCTC[G>A]ATGGGGAGCACTTTGCCATGGAGGTGAGGGCCCCTTCCCGACTGGGACCTTGTCTGGGCT-3'
Protein context (NP_000708.1, residues 121-141): LPYKGSEHSL[Asp131Asn]GEHFAMEMHI

ClinVar aggregate classification (germline): Uncertain significance. Review status: criteria provided, multiple submitters, no conflicts (2 of 4 stars). 2 submissions from 2 submitters: Uncertain significance (2). Last evaluated 2025-08-17.

Allele frequency attached by ClinVar (database versions not stated): gnomAD 0.00001 and 0.00002; TOPMed 0.00003.
gnomAD v4.1: 16 of 1,614,190 alleles (0.00099%); highest among the groups gnomAD compares: Admixed American, 0.0067%; no homozygotes.

Submissions (2):

Labcorp Genetics (formerly Invitae), Labcorp
Classification: Uncertain significance. Last evaluated: 2025-08-17. Review status: criteria provided, single submitter. Criteria: Invitae Variant Classification Sherloc (09022015). Collection method: clinical testing. Allele origin: germline.
Comment: This sequence change replaces aspartic acid, which is acidic and polar, with asparagine, which is neutral and polar, at codon 131 of the CA4 protein (p.Asp131Asn). This variant is present in population databases (rs370640952, gnomAD 0.009%). This variant has not been reported in the literature in individuals affected with CA4-related conditions. ClinVar contains an entry for this variant (Variation ID: 1036477). Invitae Evidence Modeling of protein sequence and biophysical properties (such as structural, functional, and spatial information, amino acid conservation, physicochemical variation, residue mobility, and thermodynamic stability) indicates that this missense variant is not expected to disrupt CA4 protein function with a negative predictive value of 80%. In summary, the available evidence is currently insufficient to determine the role of this variant in disease. Therefore, it has been classified as a Variant of Uncertain Significance.

Ambry Genetics
Classification: Uncertain significance. Last evaluated: 2025-04-27. Review status: criteria provided, single submitter. Criteria: Ambry Variant Classification Scheme 2023. Collection method: clinical testing. Allele origin: germline.